The following is an entry in ClinVar:

ClinVar aggregate classification (germline): Conflicting classifications of pathogenicity. Review status: criteria provided, conflicting classifications (1 of 4 stars). 2 submissions from 2 submitters: Likely pathogenic (1); Likely benign (1). Last evaluated 2023-05-27.

Conditions:
Rare genetic deafness. Identifiers: Orphanet 96210, MedGen C5680250.

Submissions (2):

Labcorp Genetics (formerly Invitae), Labcorp
Classification: Likely benign. Last evaluated: 2023-05-27. Review status: criteria provided, single submitter. Criteria: Invitae Variant Classification Sherloc (09022015). Collection method: clinical testing. Allele origin: germline.

Laboratory for Molecular Medicine, Mass General Brigham Personalized Medicine
Classification: Likely pathogenic for Rare genetic deafness. Last evaluated: 2014-11-02. Review status: criteria provided, single submitter. Criteria: LMM Criteria. Collection method: clinical testing. Allele origin: germline. Inheritance: Autosomal recessive inheritance. Observed: 2 variant alleles.
Comment: It was absent from large population stud ies. This variant is located in the 3' splice region but does not affect the inv ariant -1 and -2 positions. However, positions -3 and -5 to -12 are part of the splicing consensus sequence and variants involving these positions sometimes aff ect splicing. Although position -11 of the major splice consensus sequence is ty pically a T or C, this intron better matches a minor splice consensus sequence w hich very rarely has a G at -11. Therefore, this variant could impact splicing a nd lead to a disrupted transcript. In summary, although additional studies are r equired to fully establish its clinical significance, the p.5327-11A>G variant i s likely pathogenic.

NM_000260.4(MYO7A):c.5327-11A>G

Gene: MYO7A (myosin VIIA; plus strand). Cytogenetic location: 11q13.5.
Variant type: single nucleotide variant.
Coding change: c.5327-11A>G on transcript NM_000260.4 (MANE Select); 11 bases into the intron before coding-DNA position 5327, A replaced by G.
Molecular consequence: intron variant.
Genome position (GRCh38, 1-based): chr11:77,204,065, A>G. VCF-style: chr11-77204065-A-G. GRCh37 (hg19) VCF-style: chr11-76915110-A-G.
Other names: c.5180-11A>G (NM_001369365.1); c.5213-11A>G (NM_001127180.2).
Identifiers: ClinVar variation 43280 (VCV000043280.8), dbSNP rs397516316, ClinGen allele CA278681.
Genomic context (GRCh38, chr11:77,204,065, plus strand): 5'-GAAGTGGGGCCTCCGGACCCCAGGCCAGTGCTCCCTCTATTCGGCACAAGCCCTTCCTTG[A>G]CAGTCCCCAGCTGTGCTCAAGTACATGGGCGACTACCCGTCCAAGAGGACACGCTCCGTC-3'